The following is an entry in ClinVar:

ClinVar aggregate classification (germline): Uncertain significance. Review status: criteria provided, multiple submitters, no conflicts (2 of 4 stars). 2 submissions from 2 submitters: Uncertain significance (2). Last evaluated 2021-11-03.

Conditions:
Fanconi anemia (FA). Also called: Fanconi's anemia. Identifiers: Orphanet 84, MedGen C0015625, MeSH D005199, MONDO:0019391.

Allele frequency attached by ClinVar (database versions not stated): ExAC 0.00002; ESP Exome Variant Server 0.00008; 1000 Genomes Project 30x 0.00031.

Submissions (2):

Institute for Clinical Genetics, University Hospital TU Dresden, University Hospital TU Dresden
Classification: Uncertain significance. Last evaluated: 2021-11-03. Review status: criteria provided, single submitter. Criteria: ACMG Guidelines, 2015. Collection method: clinical testing. Allele origin: germline.

Labcorp Genetics (formerly Invitae), Labcorp
Classification: Uncertain significance for Fanconi anemia. Last evaluated: 2020-12-24. Review status: criteria provided, single submitter. Criteria: Invitae Variant Classification Sherloc (09022015). Collection method: clinical testing. Allele origin: germline.
Comment: Algorithms developed to predict the effect of missense changes on protein structure and function output the following: SIFT: "Tolerated"; PolyPhen-2: "Benign"; Align-GVGD: "Class C0". The glutamine amino acid residue is found in multiple mammalian species, suggesting that this missense change does not adversely affect protein function. These predictions have not been confirmed by published functional studies and their clinical significance is uncertain. In summary, the available evidence is currently insufficient to determine the role of this variant in disease. Therefore, it has been classified as a Variant of Uncertain Significance. This variant has not been reported in the literature in individuals with FANCD2-related conditions. This variant is present in population databases (rs370522983, ExAC 0.01%). This sequence change replaces arginine with glutamine at codon 408 of the FANCD2 protein (p.Arg408Gln). The arginine residue is moderately conserved and there is a small physicochemical difference between arginine and glutamine.

NM_001018115.3(FANCD2):c.1223G>A (p.Arg408Gln)

Genes: FANCD2 (FA complementation group D2; plus strand), LOC107303338 (3p25 FANCD2 Alu-mediated recombination region; plus strand). Cytogenetic location: 3p25.3.
Variant type: single nucleotide variant.
Coding change: c.1223G>A on transcript NM_001018115.3 (MANE Select); coding-DNA position 1223, G replaced by A.
Protein change: p.Arg408Gln; replaces arginine 408 with glutamine.
Molecular consequence: missense variant.
Genome position (GRCh38, 1-based): chr3:10,046,668, G>A. VCF-style: chr3-10046668-G-A. GRCh37 (hg19) VCF-style: chr3-10088352-G-A.
Other names: c.1223G>A, p.Arg408Gln (NM_001319984.2, NM_001374253.1, NM_001374254.1 and 1 more transcripts); short protein forms R408Q.
Identifiers: ClinVar variation 839753 (VCV000839753.12), dbSNP rs370522983, ClinGen allele CA2249553.
Genomic context (GRCh38, chr3:10,046,668, plus strand): 5'-TCTATAGCACCAATACTCAGACAAAGAAGTACATTGACAGGGTGCTAAGAAATAAGATTC[G>A]ATCAGGCTGCATTCAAGAACAGCTGCTCCAGAGTACATTCTCTGTTCATTACTTAGTAAG-3'
Protein context (NP_001018125.1, residues 398-418): YIDRVLRNKI[Arg408Gln]SGCIQEQLLQ